The following is an entry in ClinVar:

ClinVar aggregate classification (germline): Uncertain significance. Review status: criteria provided, multiple submitters, no conflicts (2 of 4 stars). 5 submissions from 5 submitters: Uncertain significance (5). Last evaluated 2025-09-25.

Conditions:
Ehlers-Danlos syndrome, kyphoscoliotic type 1 (EDSKSCL1). Also called: PLOD1-Related Kyphoscoliotic Ehlers-Danlos Syndrome; EHLERS-DANLOS SYNDROME, TYPE VIA; Ehlers-Danlos syndrome, hydroxylysine-deficient; EHLERS-DANLOS SYNDROME, OCULAR-SCOLIOTIC TYPE. Identifiers: Orphanet 1900, MedGen C0268342, MONDO:0016002, OMIM 225400. Disease mechanism: loss of function.
Familial thoracic aortic aneurysm and aortic dissection (TAAD). Also called: Thoracic aortic aneurysms and dissections. Identifiers: Orphanet 91387, MedGen C4707243, MONDO:0019625.

Allele frequency attached by ClinVar (database versions not stated): ExAC 0.00002; gnomAD exomes 0.00002 and 0.00005; TOPMed 0.00002; gnomAD 0.00003; ESP Exome Variant Server 0.00008.
gnomAD v4.1: 67 of 1,391,262 alleles (0.0048%); highest among the groups gnomAD compares: Non-Finnish European, 0.0061%; no homozygotes.

Submissions (5):

Ambry Genetics
Classification: Uncertain significance for Familial thoracic aortic aneurysm and aortic dissection. Last evaluated: 2025-09-25. Review status: criteria provided, single submitter. Criteria: Ambry Variant Classification Scheme 2023. Collection method: clinical testing. Allele origin: germline.
Comment: The p.R430C variant (also known as c.1288C>T), located in coding exon 12 of the PLOD1 gene, results from a C to T substitution at nucleotide position 1288. The arginine at codon 430 is replaced by cysteine, an amino acid with highly dissimilar properties. This amino acid position is conserved. In addition, this alteration is predicted to be deleterious by in silico analysis. Since supporting evidence is limited at this time, the clinical significance of this alteration remains unclear.

GeneDx
Classification: Uncertain significance. Last evaluated: 2024-09-03. Review status: criteria provided, single submitter. Criteria: GeneDx Variant Classification Process June 2021. Collection method: clinical testing. Allele origin: germline. Affected: yes.
Comment: Not observed at significant frequency in large population cohorts (gnomAD); In silico analysis supports that this missense variant has a deleterious effect on protein structure/function; Has not been previously published as pathogenic or benign to our knowledge

Mayo Clinic Laboratories, Mayo Clinic
Classification: Uncertain significance. Last evaluated: 2022-10-27. Review status: criteria provided, single submitter. Criteria: ACMG Guidelines, 2015. Collection method: clinical testing. Allele origin: germline. Observed: 1 variant allele.
Comment: PP3

Labcorp Genetics (formerly Invitae), Labcorp
Classification: Uncertain significance for Ehlers-Danlos syndrome, kyphoscoliotic type 1. Last evaluated: 2022-06-20. Review status: criteria provided, single submitter. Criteria: Invitae Variant Classification Sherloc (09022015). Collection method: clinical testing. Allele origin: germline.
Comment: This sequence change replaces arginine, which is basic and polar, with cysteine, which is neutral and slightly polar, at codon 430 of the PLOD1 protein (p.Arg430Cys). The frequency data for this variant in the population databases is considered unreliable, as metrics indicate poor data quality at this position in the gnomAD database. This variant has not been reported in the literature in individuals affected with PLOD1-related conditions. ClinVar contains an entry for this variant (Variation ID: 655595). Algorithms developed to predict the effect of missense changes on protein structure and function (SIFT, PolyPhen-2, Align-GVGD) all suggest that this variant is likely to be disruptive. In summary, the available evidence is currently insufficient to determine the role of this variant in disease. Therefore, it has been classified as a Variant of Uncertain Significance.

Blueprint Genetics
Classification: Uncertain significance. Last evaluated: 2021-07-28. Review status: criteria provided, single submitter. Criteria: ACMG Guidelines, 2015. Collection method: clinical testing. Allele origin: germline.

NM_000302.4(PLOD1):c.1288C>T (p.Arg430Cys)

Gene: PLOD1 (procollagen-lysine,2-oxoglutarate 5-dioxygenase 1; plus strand). Cytogenetic location: 1p36.22.
Variant type: single nucleotide variant.
Coding change: c.1288C>T on transcript NM_000302.4 (MANE Select); coding-DNA position 1288, C replaced by T.
Protein change: p.Arg430Cys; replaces arginine 430 with cysteine.
Molecular consequence: missense variant.
Genome position (GRCh38, 1-based): chr1:11,964,260, C>T. VCF-style: chr1-11964260-C-T. GRCh37 (hg19) VCF-style: chr1-12024317-C-T.
Other names: p.Arg430Cys; c.1429C>T, p.Arg477Cys (NM_001316320.2); short protein forms R477C, R430C.
Identifiers: ClinVar variation 655595 (VCV000655595.13), dbSNP rs370790682, ClinGen allele CA598347.